The following is an entry in ClinVar:

NM_006206.6(PDGFRA):c.436G>C (p.Ala146Pro)

Gene: PDGFRA (platelet derived growth factor receptor alpha; plus strand). Cytogenetic location: 4q12.
Variant type: single nucleotide variant.
Coding change: c.436G>C on transcript NM_006206.6 (MANE Select); coding-DNA position 436, G replaced by C.
Protein change: p.Ala146Pro; replaces alanine 146 with proline.
Molecular consequence: missense variant.
Genome position (GRCh38, 1-based): chr4:54,263,735, G>C. VCF-style: chr4-54263735-G-C. GRCh37 (hg19) VCF-style: chr4-55129902-G-C.
Other names: c.436G>C, p.Ala146Pro (NM_001347827.2, NM_001347829.2); c.511G>C, p.Ala171Pro (NM_001347828.2); c.475G>C, p.Ala159Pro (NM_001347830.2); short protein forms A146P, A159P, A171P.
Identifiers: ClinVar variation 3225309 (VCV003225309.2), dbSNP rs1191201033, ClinGen allele CA356889822.

ClinVar aggregate classification (germline): Uncertain significance. Review status: criteria provided, multiple submitters, no conflicts (2 of 4 stars). 2 submissions from 2 submitters: Uncertain significance (2). Last evaluated 2025-05-13.

Conditions:
Hereditary cancer-predisposing syndrome. Also called: Neoplastic Syndromes, Hereditary; Tumor predisposition; Hereditary Cancer Syndrome; Hereditary neoplastic syndrome. Identifiers: Orphanet 140162, MedGen C0027672, MeSH D009386, MONDO:0015356.
Gastrointestinal stromal tumor. Also called: Gastrointestinal stromal tumor, somatic; Gastrointestinal stroma tumor. Identifiers: Orphanet 44890, MedGen C0238198, MeSH D046152, MONDO:0011719, OMIM 606764, HP:0100723.

Allele frequency attached by ClinVar (database versions not stated): gnomAD exomes below 0.00001.
gnomAD v4.1: 1 of 1,613,900 alleles (0.000062%); highest among the groups gnomAD compares: South Asian, 0.0011%; no homozygotes.

Submissions (2):

Labcorp Genetics (formerly Invitae), Labcorp
Classification: Uncertain significance for Gastrointestinal stromal tumor. Last evaluated: 2025-05-13. Review status: criteria provided, single submitter. Criteria: Invitae Variant Classification Sherloc (09022015). Collection method: clinical testing. Allele origin: germline.
Comment: This sequence change replaces alanine, which is neutral and non-polar, with proline, which is neutral and non-polar, at codon 146 of the PDGFRA protein (p.Ala146Pro). This variant is present in population databases (no rsID available, gnomAD 0.003%). This variant has not been reported in the literature in individuals affected with PDGFRA-related conditions. ClinVar contains an entry for this variant (Variation ID: 3225309). Invitae Evidence Modeling of protein sequence and biophysical properties (such as structural, functional, and spatial information, amino acid conservation, physicochemical variation, residue mobility, and thermodynamic stability) indicates that this missense variant is not expected to disrupt PDGFRA protein function with a negative predictive value of 80%. In summary, the available evidence is currently insufficient to determine the role of this variant in disease. Therefore, it has been classified as a Variant of Uncertain Significance.

Ambry Genetics
Classification: Uncertain significance for Hereditary cancer-predisposing syndrome. Last evaluated: 2022-11-20. Review status: criteria provided, single submitter. Criteria: Ambry Variant Classification Scheme 2023. Collection method: clinical testing. Allele origin: germline.
Comment: The p.A146P variant (also known as c.436G>C), located in coding exon 3 of the PDGFRA gene, results from a G to C substitution at nucleotide position 436. The alanine at codon 146 is replaced by proline, an amino acid with highly similar properties. This amino acid position is conserved. In addition, this alteration is predicted to be tolerated by in silico analysis. Since supporting evidence is limited at this time, the clinical significance of this alteration remains unclear.